The following is an entry in ClinVar:

ClinVar aggregate classification (germline): Uncertain significance. Review status: criteria provided, multiple submitters, no conflicts (2 of 4 stars). 4 submissions from 4 submitters: Uncertain significance (4). Last evaluated 2025-12-04.

Conditions:
Hereditary breast ovarian cancer syndrome. Also called: Hereditary breast and/or ovarian cancer syndrome; Hereditary breast and ovarian cancer syndrome (HBOC); Breast and ovarian cancer; Hereditary breast and ovarian cancer; BRCA1- and BRCA2-Associated Hereditary Breast and Ovarian Cancer; Hereditary breast and ovarian cancer syndrome. Identifiers: Orphanet 145, MedGen C0677776, MeSH D061325, MONDO:0003582. Disease mechanism: loss of function.

Allele frequency attached by ClinVar (database versions not stated): TOPMed 0.00002; gnomAD exomes 0.00003; ExAC 0.00004; gnomAD 0.00005 and 0.00006.
gnomAD v4.1: 62 of 1,613,676 alleles (0.0038%); highest among the groups gnomAD compares: African/African-American, 0.0067%; no homozygotes.

Submissions (4):

Ambry Genetics
Classification: Uncertain significance. Last evaluated: 2025-12-04. Review status: criteria provided, single submitter. Criteria: Ambry Variant Classification Scheme 2023. Collection method: clinical testing. Allele origin: germline.

Labcorp Genetics (formerly Invitae), Labcorp
Classification: Uncertain significance. Last evaluated: 2025-10-26. Review status: criteria provided, single submitter. Criteria: Invitae Variant Classification Sherloc (09022015). Collection method: clinical testing. Allele origin: germline.
Comment: This sequence change replaces threonine, which is neutral and polar, with methionine, which is neutral and non-polar, at codon 263 of the RECQL protein (p.Thr263Met). This variant is present in population databases (rs773948800, gnomAD 0.01%). This variant has not been reported in the literature in individuals affected with RECQL-related conditions. ClinVar contains an entry for this variant (Variation ID: 830286). Invitae Evidence Modeling of protein sequence and biophysical properties (such as structural, functional, and spatial information, amino acid conservation, physicochemical variation, residue mobility, and thermodynamic stability) indicates that this missense variant is not expected to disrupt RECQL protein function with a negative predictive value of 80%. In summary, the available evidence is currently insufficient to determine the role of this variant in disease. Therefore, it has been classified as a Variant of Uncertain Significance.

GeneDx
Classification: Uncertain significance. Last evaluated: 2023-10-05. Review status: criteria provided, single submitter. Criteria: GeneDx Variant Classification Process June 2021. Collection method: clinical testing. Allele origin: germline. Affected: yes.
Comment: In silico analysis supports that this missense variant does not alter protein structure/function; Has not been previously published as pathogenic or benign to our knowledge; Variants in candidate genes are classified as variants of uncertain significance in accordance with ACMG guidelines (Richards et al., 2015); This variant is associated with the following publications: (PMID: 19151156, 27248010, 32566746)

Cancer Genomics Group, Japanese Foundation For Cancer Research
Classification: Uncertain significance for Hereditary breast and ovarian cancer syndrome. Last evaluated: 2019-05-01. Review status: criteria provided, single submitter. Criteria: ACMG Guidelines, 2015. Collection method: research. Allele origin: germline. Affected: yes.

NM_002907.4(RECQL):c.788C>T (p.Thr263Met)

Gene: RECQL (RecQ like helicase; minus strand). Cytogenetic location: 12p12.1.
Variant type: single nucleotide variant.
Coding change: c.788C>T on transcript NM_002907.4 (MANE Select); coding-DNA position 788, C replaced by T.
Protein change: p.Thr263Met; replaces threonine 263 with methionine.
Molecular consequence: missense variant.
Genome position (GRCh38, 1-based): chr12:21,477,882, G>A on the plus strand (C>T on the coding strand, the complement: RECQL is on the minus strand). VCF-style: chr12-21477882-G-A. GRCh37 (hg19) VCF-style: chr12-21630816-G-A.
Other names: c.788C>T, p.Thr263Met (NM_032941.3); short protein forms T263M.
Identifiers: ClinVar variation 830286 (VCV000830286.18), dbSNP rs773948800, ClinGen allele CA6478973.